The following is an entry in ClinVar:

ClinVar aggregate classification (germline): Uncertain significance. Review status: criteria provided, multiple submitters, no conflicts (2 of 4 stars). 2 submissions from 2 submitters: Uncertain significance (2). Last evaluated 2026-01-15.

gnomAD v4.1: 4 of 1,613,896 alleles (0.00025%); highest among the groups gnomAD compares: African/African-American, 0.004%; no homozygotes.

Submissions (2):

Labcorp Genetics (formerly Invitae), Labcorp
Classification: Uncertain significance. Last evaluated: 2026-01-15. Review status: criteria provided, single submitter. Criteria: Invitae Variant Classification Sherloc (09022015). Collection method: clinical testing. Allele origin: germline.
Comment: This sequence change replaces glycine, which is neutral and non-polar, with alanine, which is neutral and non-polar, at codon 306 of the ICK protein (p.Gly306Ala). This variant is present in population databases (rs375312902, gnomAD 0.0009%). This variant has not been reported in the literature in individuals affected with ICK-related conditions. ClinVar contains an entry for this variant (Variation ID: 932135). Invitae Evidence Modeling of protein sequence and biophysical properties (such as structural, functional, and spatial information, amino acid conservation, physicochemical variation, residue mobility, and thermodynamic stability) indicates that this missense variant is not expected to disrupt ICK protein function with a negative predictive value of 80%. In summary, the available evidence is currently insufficient to determine the role of this variant in disease. Therefore, it has been classified as a Variant of Uncertain Significance.

Centre for Mendelian Genomics, University Medical Centre Ljubljana
Classification: Uncertain significance. Last evaluated: 2019-07-19. Review status: criteria provided, single submitter. Criteria: ACMG Guidelines, 2015. Collection method: clinical testing. Allele origin: unknown. Affected: yes.
Comment: This variant was classified as: Uncertain significance. The available evidence on this variant's pathogenicity is insufficient or conflicting. The following ACMG criteria were applied in classifying this variant: BP4.

NM_014920.5(CILK1):c.917G>C (p.Gly306Ala)

Gene: CILK1 (ciliogenesis associated kinase 1; minus strand). Cytogenetic location: 6p12.1.
Variant type: single nucleotide variant.
Coding change: c.917G>C on transcript NM_014920.5 (MANE Select); coding-DNA position 917, G replaced by C.
Protein change: p.Gly306Ala; replaces glycine 306 with alanine.
Molecular consequence: missense variant. On other transcripts: non-coding transcript variant (1).
Genome position (GRCh38, 1-based): chr6:53,013,897, C>G on the plus strand (G>C on the coding strand, the complement: CILK1 is on the minus strand). VCF-style: chr6-53013897-C-G. GRCh37 (hg19) VCF-style: chr6-52878695-C-G.
Other names: c.917G>C, p.Gly306Ala (NM_001375397.1, NM_001375398.1, NM_001375399.1 and 4 more transcripts); short protein forms G306A.
Identifiers: ClinVar variation 932135 (VCV000932135.4), dbSNP rs375312902, ClinGen allele CA3858660.